The following is an entry in ClinVar:

NM_001873.4(CPE):c.847C>T (p.Arg283Trp)

Gene: CPE (carboxypeptidase E; plus strand). Cytogenetic location: 4q32.3.
Variant type: single nucleotide variant.
Coding change: c.847C>T on transcript NM_001873.4 (MANE Select); coding-DNA position 847, C replaced by T.
Protein change: p.Arg283Trp; replaces arginine 283 with tryptophan.
Molecular consequence: missense variant.
Genome position (GRCh38, 1-based): chr4:165,484,478, C>T. VCF-style: chr4-165484478-C-T. GRCh37 (hg19) VCF-style: chr4-166405630-C-T.
Other names: short protein forms R283W.
Identifiers: ClinVar variation 2636631 (VCV002636631.3), dbSNP rs142408232, ClinGen allele CA3130300.

ClinVar aggregate classification (germline): Uncertain significance. Review status: criteria provided, single submitter (1 of 4 stars). 2 submissions from 2 submitters: Uncertain significance (1). 1 of the submissions does not count toward it. Last evaluated 2025-09-11.

Conditions:
CPE-related disorder. Also called: CPE-related condition.

Allele frequency attached by ClinVar (database versions not stated): gnomAD 0.00030; ESP Exome Variant Server 0.00069.
gnomAD v4.1: 341 of 1,613,902 alleles (0.021%); highest among the groups gnomAD compares: East Asian, 0.029%; 1 homozygote.

Submissions (2):

Labcorp Genetics (formerly Invitae), Labcorp
Classification: Uncertain significance. Last evaluated: 2025-09-11. Review status: criteria provided, single submitter. Criteria: Invitae Variant Classification Sherloc (09022015). Collection method: clinical testing. Allele origin: germline.
Comment: This sequence change replaces arginine, which is basic and polar, with tryptophan, which is neutral and slightly polar, at codon 283 of the CPE protein (p.Arg283Trp). This variant is present in population databases (rs142408232, gnomAD 0.8%). This missense change has been observed in individual(s) with diabetes mellitus (PMID: 11462236). ClinVar contains an entry for this variant (Variation ID: 2636631). An algorithm developed to predict the effect of missense changes on protein structure and function (PolyPhen-2) suggests that this variant is likely to be disruptive. In summary, the available evidence is currently insufficient to determine the role of this variant in disease. Therefore, it has been classified as a Variant of Uncertain Significance.

PreventionGenetics, part of Exact Sciences
Classification: Uncertain significance for CPE-related condition. Last evaluated: 2024-07-02. Review status: no assertion criteria provided. Collection method: clinical testing. Allele origin: germline. Not counted in ClinVar's aggregate classification.
Comment: The CPE c.847C>T variant is predicted to result in the amino acid substitution p.Arg283Trp. This variant has been reported in four Ashkenazi families with early onset type 2 diabetes (Chen et al. 2001. PubMed ID: 11462236; Alsters et al. 2015. PubMed ID: 26120850). Chen et al. performed functional studies showing that CPE p.Arg283Trp had substantially lower activity than wild type protein. This variant is reported in 0.78% of alleles in individuals of Ashkenazi Jewish descent in gnomAD. At this time, the clinical significance of this variant is uncertain due to the absence of conclusive functional and genetic evidence.

Literature cited by the submitters: PubMed 11462236 (cited by Labcorp Genetics (formerly Invitae), Labcorp).